The following is an entry in ClinVar:

NM_004408.4(DNM1):c.1076G>C (p.Gly359Ala)

Gene: DNM1 (dynamin 1; plus strand). Cytogenetic location: 9q34.11.
Variant type: single nucleotide variant.
Coding change: c.1076G>C on transcript NM_004408.4 (MANE Select); coding-DNA position 1076, G replaced by C.
Protein change: p.Gly359Ala; replaces glycine 359 with alanine.
Molecular consequence: missense variant.
Genome position (GRCh38, 1-based): chr9:128,222,544, G>C. VCF-style: chr9-128222544-G-C. GRCh37 (hg19) VCF-style: chr9-130984823-G-C.
Other names: c.1076G>C, p.Gly359Ala (NM_001005336.3, NM_001288737.2, NM_001288738.2 and 1 more transcripts); short protein forms G359A.
Identifiers: ClinVar variation 156559 (VCV000156559.7), dbSNP rs587777862, ClinGen allele CA170929.

ClinVar aggregate classification (germline): Pathogenic/Likely pathogenic. Review status: criteria provided, multiple submitters, no conflicts (2 of 4 stars). 3 submissions from 3 submitters: Pathogenic (1); Likely pathogenic (1). 1 of the submissions does not count toward it. Last evaluated 2024-02-15.

Conditions:
Developmental and epileptic encephalopathy, 31A. Also called: Epileptic encephalopathy, early infantile, 31; Developmental and epileptic encephalopathy, 31. Identifiers: Orphanet 2382, MedGen C4225357, MONDO:0014598, OMIM 616346.

Submissions (3):

Labcorp Genetics (formerly Invitae), Labcorp
Classification: Pathogenic for Developmental and epileptic encephalopathy, 31A. Last evaluated: 2024-02-15. Review status: criteria provided, single submitter. Criteria: Invitae Variant Classification Sherloc (09022015). Collection method: clinical testing. Allele origin: germline.
Comment: This sequence change replaces glycine, which is neutral and non-polar, with alanine, which is neutral and non-polar, at codon 359 of the DNM1 protein (p.Gly359Ala). This variant is not present in population databases (gnomAD no frequency). This missense change has been observed in individual(s) with clinical features of DNM1-related conditions (PMID: 25262651). In at least one individual the variant was observed to be de novo. ClinVar contains an entry for this variant (Variation ID: 156559). Advanced modeling of protein sequence and biophysical properties (such as structural, functional, and spatial information, amino acid conservation, physicochemical variation, residue mobility, and thermodynamic stability) performed at Invitae indicates that this missense variant is expected to disrupt DNM1 protein function with a positive predictive value of 80%. This variant disrupts the p.Gly359 amino acid residue in DNM1. Other variant(s) that disrupt this residue have been determined to be pathogenic (PMID: 28667181; Invitae). This suggests that this residue is clinically significant, and that variants that disrupt this residue are likely to be disease-causing. For these reasons, this variant has been classified as Pathogenic.

Dasa
Classification: Likely pathogenic for Developmental and epileptic encephalopathy, 31A. Last evaluated: 2022-02-05. Review status: criteria provided, single submitter. Criteria: ACMG Guidelines, 2015. Collection method: clinical testing. Allele origin: germline. Affected: yes. Observed: 1 variant allele.
Comment: The c.1076G>C;p.(Gly359Ala) missense variant has been observed in affected individual(s) and ClinVar contains an entry for this variant (ClinVar ID: 156559; OMIM: 602377.0003; PMID: 25262651) - PS4_supporting. Well-established in vitro or in vivo functional studies supportive of a damaging effect on the gene or gene product (PMID: 27066543) - PS3_supporting. The variant is located in a mutational hot spot and/or critical and well-established functional domain (Dynamin) - PM1. This variant is not present in population databases (rs587777862; gnomAD; ABraOM no frequency) - PM2. Pathogenic missense variant in this residue have been reported (ClinVar ID: 520737 - c.1075G>A;p.(Gly359Arg)) - PM5. The variant was assumed de novo; but without confirmation of paternity and maternity (PMID: 25262651) - PM6. Multiple lines of computational evidence support a deleterious effect on the gene or gene product - PP3. In summary, the currently available evidence indicates that the variant is likely pathogenic.

OMIM
Classification: Pathogenic for DEVELOPMENTAL AND EPILEPTIC ENCEPHALOPATHY 31A. Last evaluated: 2014-10-02. Review status: no assertion criteria provided. Collection method: literature only. Allele origin: germline. Not counted in ClinVar's aggregate classification.

Literature cited by the submitters: PubMed 25262651 (cited by 3 submitters); PubMed 28667181 (cited by Labcorp Genetics (formerly Invitae), Labcorp); PubMed 27066543 (cited by Dasa and OMIM).